The following is an entry in ClinVar:

NM_000268.4(NF2):c.999G>C (p.Gln333His)

Gene: NF2 (NF2, moesin-ezrin-radixin like (MERLIN) tumor suppressor; plus strand). Cytogenetic location: 22q12.2.
Variant type: single nucleotide variant.
Coding change: c.999G>C on transcript NM_000268.4 (MANE Select); coding-DNA position 999, G replaced by C.
Protein change: p.Gln333His; replaces glutamine 333 with histidine.
Molecular consequence: missense variant. On other transcripts: non-coding transcript variant (1), intron variant (1).
Genome position (GRCh38, 1-based): chr22:29,668,446, G>C. VCF-style: chr22-29668446-G-C. GRCh37 (hg19) VCF-style: chr22-30064435-G-C.
Other names: c.999G>C, p.Gln333His (NM_016418.5, NM_181825.3, NM_181832.3); c.873G>C, p.Gln291His (NM_181828.3); c.876G>C, p.Gln292His (NM_181829.3); c.750G>C, p.Gln250His (NM_181830.3, NM_181831.3); c.447+26161G>C (NM_181833.3); short protein forms Q250H, Q292H, Q333H, Q291H.
Identifiers: ClinVar variation 845567 (VCV000845567.13), dbSNP rs1469191017, ClinGen allele CA411146221.
Genomic context (GRCh38, chr22:29,668,446, plus strand): 5'-CGATTCTTTGGAAGTTCAGCAGATGAAAGCCCAGGCCAGGGAGGAGAAGGCTAGAAAGCA[G>C]GTGAGCACAACCTTGTTTTAACTGATGATGTCACTGTGTGGTCAGTCCTGGCCTGGGAGG-3'
Protein context (NP_000259.1, residues 323-343): AQAREEKARK[Gln333His]MERQRLAREK

ClinVar aggregate classification (germline): Uncertain significance. Review status: criteria provided, multiple submitters, no conflicts (2 of 4 stars). 2 submissions from 2 submitters: Uncertain significance (2). Last evaluated 2026-01-27.

Conditions:
Hereditary cancer-predisposing syndrome. Also called: Tumor predisposition; Hereditary Cancer Syndrome; Hereditary neoplastic syndrome; Neoplastic Syndromes, Hereditary. Identifiers: Orphanet 140162, MedGen C0027672, MeSH D009386, MONDO:0015356.
Neurofibromatosis, type 2 (SWNV). Also called: BILATERAL ACOUSTIC NEUROFIBROMATOSIS; SCHWANNOMATOSIS, VESTIBULAR; NF2-Related Schwannomatosis. Identifiers: Orphanet 637, MedGen C0027832, MONDO:0007039, OMIM 101000. Disease mechanism: loss of function.

Allele frequency attached by ClinVar (database versions not stated): gnomAD 0.00001; TOPMed 0.00001.
gnomAD v4.1: 2 of 1,610,724 alleles (0.00012%); highest among the groups gnomAD compares: African/African-American, 0.0027%; no homozygotes.

Submissions (2):

Labcorp Genetics (formerly Invitae), Labcorp
Classification: Uncertain significance for Neurofibromatosis, type 2. Last evaluated: 2026-01-27. Review status: criteria provided, single submitter. Criteria: Invitae Variant Classification Sherloc (09022015). Collection method: clinical testing. Allele origin: germline.
Comment: This sequence change replaces glutamine, which is neutral and polar, with histidine, which is basic and polar, at codon 333 of the NF2 protein (p.Gln333His). This variant also falls at the last nucleotide of exon 10, which is part of the consensus splice site for this exon. This variant is not present in population databases (gnomAD no frequency). This variant has not been reported in the literature in individuals affected with NF2-related conditions. ClinVar contains an entry for this variant (Variation ID: 845567). An algorithm developed to predict the effect of missense changes on protein structure and function (PolyPhen-2) suggests that this variant is likely to be disruptive. Variants that disrupt the consensus splice site are a relatively common cause of aberrant splicing (PMID: 17576681, 9536098). Algorithms developed to predict the effect of sequence changes on RNA splicing suggest that this variant may disrupt the consensus splice site. In summary, the available evidence is currently insufficient to determine the role of this variant in disease. Therefore, it has been classified as a Variant of Uncertain Significance.

Ambry Genetics
Classification: Uncertain significance for Hereditary cancer-predisposing syndrome. Last evaluated: 2024-10-03. Review status: criteria provided, single submitter. Criteria: Ambry Variant Classification Scheme 2023. Collection method: clinical testing. Allele origin: germline.
Comment: The p.Q333H variant (also known as c.999G>C), located in coding exon 10 of the NF2 gene, results from a G to C substitution at nucleotide position 999. The amino acid change results in glutamine to histidine at codon 333, an amino acid with highly similar properties. However, this change occurs in the last base pair of coding exon 10 and may have some effect on normal mRNA splicing. This nucleotide position is highly conserved in available vertebrate species. In silico splice site analysis predicts that this alteration will not have any significant effect on splicing; however, direct evidence is insufficient at this time (Ambry internal data). This amino acid position is well conserved in available vertebrate species. In addition, as a missense substitution the in silico prediction for this alteration is inconclusive. Based on the available evidence, the clinical significance of this variant remains unclear.

Literature cited by the submitters: PubMed 17576681 (cited by Labcorp Genetics (formerly Invitae), Labcorp); PubMed 9536098 (cited by Labcorp Genetics (formerly Invitae), Labcorp).